The following is an entry in ClinVar:

NM_001148.6(ANK2):c.5176G>A (p.Ala1726Thr)

Genes: ANK2 (ankyrin 2; plus strand), LOC126807136 (MED14-independent group 3 enhancer GRCh37_chr4:114274931-114276130; plus strand). Cytogenetic location: 4q26.
Variant type: single nucleotide variant.
Coding change: c.5176G>A on transcript NM_001148.6 (MANE Select); coding-DNA position 5176, G replaced by A.
Protein change: p.Ala1726Thr; replaces alanine 1726 with threonine.
Molecular consequence: missense variant. On other transcripts: intron variant (68).
Genome position (GRCh38, 1-based): chr4:113,353,794, G>A. VCF-style: chr4-113353794-G-A. GRCh37 (hg19) VCF-style: chr4-114274950-G-A.
Other names: c.4201+3545G>A (NM_001354253.2, NM_001354270.2); c.4165+3545G>A (NM_001354257.2, NM_001386156.1); c.4240+3545G>A (NM_001354249.2, NM_001354266.2, NM_001354276.2 and 2 more transcripts); c.4207+3545G>A (NM_001386146.1, NM_001386150.1, NM_001386149.1 and 1 more transcripts); c.4192+3545G>A (NM_001354274.2, NM_001386154.1); c.4141+3545G>A (NM_001386151.1, NM_001354260.2, NM_001354271.2); c.4042+3545G>A (NM_001386157.1, NM_001354277.2); c.4360+3545G>A (NM_001386161.1, NM_001354244.2, NM_001354256.2); and 35 more; short protein forms A1648T, A1726T, A1765T, A1773T, A526T.
Identifiers: ClinVar variation 4880968 (VCV004880968.2).

ClinVar aggregate classification (germline): Uncertain significance (1 of 4 stars; one submission).

Conditions:
Cardiac arrhythmia, ankyrin-B-related. Also called: ANKYRIN-B SYNDROME. Identifiers: Orphanet 101016, Orphanet 768, MedGen C1970119, MONDO:0010958, OMIM 600919.

Submission:

Dasa
Classification: Uncertain significance for Cardiac arrhythmia, ankyrin-B-related. Last evaluated: 2026-01-23. Review status: criteria provided, single submitter. Criteria: DASA Assertion Criteria. Collection method: clinical testing. Allele origin: germline.
Comment: NM_001148.6(ANK2):c.5176G>A (p.Ala1726Thr) is a missense variant that results in the substitution of alanine with threonine. This variant is rare in population databases. Computational prediction algorithms are consistent with a benign effect. The currently available literature and clinical evidence are not sufficient to establish a definitive association between this variant and the reported condition. Therefore, this variant is classified as a variant of uncertain significance.